The following is an entry in ClinVar:

ClinVar aggregate classification (germline): Pathogenic (1 of 4 stars; one submission).

Submission:

GeneDx
Classification: Pathogenic. Last evaluated: 2024-06-28. Review status: criteria provided, single submitter. Criteria: GeneDx Variant Classification Process June 2021. Collection method: clinical testing. Allele origin: germline. Affected: yes.
Comment: Identified in a patient with a neurodevelopmental psychiatric disorder, however, additional clinical information was not provided (PMID: 36475376); Frameshift variant predicted to result in protein truncation or nonsense mediated decay in a gene for which loss of function is a known mechanism of disease; Not observed at significant frequency in large population cohorts (gnomAD); This variant is associated with the following publications: (PMID: 36475376)

NM_057175.5(NAA15):c.672del (p.Ala225fs)

Gene: NAA15 (N-alpha-acetyltransferase 15, NatA auxiliary subunit; plus strand). Cytogenetic location: 4q31.1.
Variant type: Deletion.
Coding change: c.672del on transcript NM_057175.5 (MANE Select); coding-DNA position 672, one base deleted (T; older notation c.672delT).
Protein change: p.Ala225fs; shifts the reading frame from alanine 225.
Molecular consequence: frameshift variant.
Genome position (GRCh38, 1-based): chr4:139,344,320, T deleted; the last of 2 consecutive T bases (chr4:139,344,319-139,344,320); deleting either gives the same sequence. VCF-style (leftmost placement, unchanged base first): chr4-139344318-CT-C. GRCh37 (hg19) VCF-style: chr4-140265472-CT-C.
Other names: c.672del, p.Ala225fs (NM_001410842.1); short protein forms A225fs.
Identifiers: ClinVar variation 3393589 (VCV003393589.1).
Genomic context (GRCh38, chr4:139,344,318, plus strand): 5'-GGTCTCTATAGAGAAGCTTTGGAACATCTTTGTACCTATGAAAAGCAGATTTGTGATAAA[CT>C]TGCTGTAGAAGAAACCAAAGGTATTTTTAAAAGAATTGTCATTTATTCTAATATTGAAAT-3'